The following is an entry in ClinVar:

ClinVar aggregate classification (germline): Uncertain significance (1 of 4 stars; one submission).

Conditions:
Dilated cardiomyopathy 1DD (CMD1DD). Identifiers: Orphanet 154, MedGen C2750995, MONDO:0013168, OMIM 613172.

Submission:

Labcorp Genetics (formerly Invitae), Labcorp
Classification: Uncertain significance for Dilated cardiomyopathy 1DD. Last evaluated: 2023-05-15. Review status: criteria provided, single submitter. Criteria: Invitae Variant Classification Sherloc (09022015). Collection method: clinical testing. Allele origin: germline.
Comment: In summary, the available evidence is currently insufficient to determine the role of this variant in disease. Therefore, it has been classified as a Variant of Uncertain Significance. Experimental studies and prediction algorithms are not available or were not evaluated, and the functional significance of this variant is currently unknown. ClinVar contains an entry for this variant (Variation ID: 1059343). This variant has not been reported in the literature in individuals affected with RBM20-related conditions. Information on the frequency of this variant in the gnomAD database is not available, as this variant may be reported differently in the database. This sequence change replaces valine, which is neutral and non-polar, with leucine, which is neutral and non-polar, at codon 911 of the RBM20 protein (p.Val911Leu).

NM_001134363.3(RBM20):c.2730_2731inv (p.Val911Leu)

Gene: RBM20 (RNA binding motif protein 20; plus strand). Cytogenetic location: 10q25.2.
Variant type: Inversion.
Coding change: c.2730_2731inv on transcript NM_001134363.3 (MANE Select).
Protein change: p.Val911Leu; replaces valine 911 with leucine.
Molecular consequence: missense variant.
Genome position: GRCh38 VCF-style: chr10-110821349-AG-CT. GRCh37 (hg19) VCF-style: chr10-112581107-AG-CT.
Other names: short protein forms V911L.
Identifiers: ClinVar variation 1059343 (VCV001059343.8), ClinGen allele CA2499220163.